The following is an entry in ClinVar:

NM_000548.5(TSC2):c.2777A>T (p.Asp926Val)

Gene: TSC2 (TSC complex subunit 2; plus strand). Cytogenetic location: 16p13.3.
Variant type: single nucleotide variant.
Coding change: c.2777A>T on transcript NM_000548.5 (MANE Select); coding-DNA position 2777, A replaced by T.
Protein change: p.Asp926Val; replaces aspartic acid 926 with valine.
Molecular consequence: missense variant. On other transcripts: non-coding transcript variant (5).
Genome position (GRCh38, 1-based): chr16:2,076,525, A>T. VCF-style: chr16-2076525-A-T. GRCh37 (hg19) VCF-style: chr16-2126526-A-T.
Other names: c.2777A>T, p.Asp926Val (NM_001077183.3, NM_001114382.3, NM_001363528.2 and 6 more transcripts); c.2666A>T, p.Asp889Val (NM_001318827.2, NM_001406670.1, NM_001406678.1); c.2630A>T, p.Asp877Val (NM_001318829.2, NM_001406675.1, NM_001406676.1 and 1 more transcripts); c.2177A>T, p.Asp726Val (NM_001318831.2, NM_001406680.1, NM_001406682.1 and 6 more transcripts); c.2810A>T, p.Asp937Val (NM_001318832.2); c.2867A>T, p.Asp956Val (NM_001406667.1, NM_001406668.1); c.2765A>T, p.Asp922Val (NM_001406671.1, NM_001406673.1); c.2720A>T, p.Asp907Val (NM_001406677.1); and 3 more; short protein forms D392V, D726V, D772V, D926V, D956V, D877V, D889V, D478V.
Identifiers: ClinVar variation 4556720 (VCV004556720.1).
Genomic context (GRCh38, chr16:2,076,525, plus strand): 5'-CTGTCTGGGTGTGCTCACTCTGCCAGGGCCTGCGGTCCAATGTCCTCTTGTCTTTTGATG[A>T]CACCCCCGAGAAGGACAGCTTCAGGGCCCGGAGTACTAGTCTCAACGAGAGACCCAAGAG-3'
Protein context (NP_000539.2, residues 916-936): LRSNVLLSFD[Asp926Val]TPEKDSFRAR

ClinVar aggregate classification (germline): Uncertain significance (1 of 4 stars; one submission).

Conditions:
Hereditary cancer-predisposing syndrome. Also called: Tumor predisposition; Hereditary Cancer Syndrome; Hereditary neoplastic syndrome; Neoplastic Syndromes, Hereditary. Identifiers: Orphanet 140162, MedGen C0027672, MeSH D009386, MONDO:0015356.

Submission:

Ambry Genetics
Classification: Uncertain significance for Hereditary cancer-predisposing syndrome. Last evaluated: 2025-09-23. Review status: criteria provided, single submitter. Criteria: Ambry Variant Classification Scheme 2023. Collection method: clinical testing. Allele origin: germline.
Comment: The p.D926V variant (also known as c.2777A>T), located in coding exon 24 of the TSC2 gene, results from an A to T substitution at nucleotide position 2777. The aspartic acid at codon 926 is replaced by valine, an amino acid with highly dissimilar properties. This amino acid position is conserved. In addition, this alteration is predicted to be deleterious by in silico analysis. Based on the available evidence, the clinical significance of this variant remains unclear.